The following is an entry in ClinVar:

ClinVar aggregate classification (germline): Uncertain significance (1 of 4 stars; one submission).

Submission:

Labcorp Genetics (formerly Invitae), Labcorp
Classification: Uncertain significance. Last evaluated: 2022-03-22. Review status: criteria provided, single submitter. Criteria: Invitae Variant Classification Sherloc (09022015). Collection method: clinical testing. Allele origin: germline.
Comment: In summary, the available evidence is currently insufficient to determine the role of this variant in disease. Therefore, it has been classified as a Variant of Uncertain Significance. Algorithms developed to predict the effect of sequence changes on RNA splicing suggest that this variant may create or strengthen a splice site. Experimental studies and prediction algorithms are not available or were not evaluated, and the functional significance of this variant is currently unknown. This variant has not been reported in the literature in individuals affected with FBXO11-related conditions. This variant is not present in population databases (gnomAD no frequency). This variant, c.169_170ins42, results in the insertion of 14 amino acid(s) of the FBXO11 protein (p.Gln56_Pro57ins14), but otherwise preserves the integrity of the reading frame.

NM_001190274.2(FBXO11):c.169_170insAGCCTCCGCCGCCGCCGCAGCAGCAGCAGCAGCAGCAGCAGC (p.50_56Q[8]P[5]Q[8])

Genes: FBXO11 (F-box protein 11; minus strand), LOC100506235 (uncharacterized LOC100506235; plus strand). Cytogenetic location: 2p16.3.
Variant type: Microsatellite.
Coding change: c.169_170insAGCCTCCGCCGCCGCCGCAGCAGCAGCAGCAGCAGCAGCAGC on transcript NM_001190274.2 (MANE Select); coding-DNA positions 169 to 170, AGCCTCCGCCGCCGCCGCAGCAGCAGCAGCAGCAGCAGCAGC inserted.
Protein change: p.50_56Q[8]P[5]Q[8].
Molecular consequence: inframe insertion.
Genome position: GRCh38: chr2:47,905,552-47,905,574. GRCh37 (hg19): chr2:48,132,691-48,132,713.
Identifiers: ClinVar variation 1359517 (VCV001359517.9), dbSNP rs746953076.